The following is an entry in ClinVar:

NM_002579.3(PALM):c.770G>A (p.Arg257Gln)

Gene: PALM (paralemmin; plus strand). Cytogenetic location: 19p13.3.
Variant type: single nucleotide variant.
Coding change: c.770G>A on transcript NM_002579.3 (MANE Select); coding-DNA position 770, G replaced by A.
Protein change: p.Arg257Gln; replaces arginine 257 with glutamine.
Molecular consequence: missense variant.
Genome position (GRCh38, 1-based): chr19:746,420, G>A. VCF-style: chr19-746420-G-A. GRCh37 (hg19) VCF-style: chr19-746420-G-A.
Other names: c.638G>A, p.Arg213Gln (NM_001040134.2); short protein forms R257Q, R213Q.
Identifiers: ClinVar variation 1407173 (VCV001407173.7), dbSNP rs550258310, ClinGen allele CA9022775.

ClinVar aggregate classification (germline): Uncertain significance (1 of 4 stars; one submission).

Allele frequency attached by ClinVar (database versions not stated): 1000 Genomes Project 30x 0.00016; 1000 Genomes Project 0.00020; gnomAD 0.00021 and 0.00023.
gnomAD v4.1: 162 of 1,610,458 alleles (0.01%); highest among the groups gnomAD compares: South Asian, 0.069%; no homozygotes.

Submission:

Labcorp Genetics (formerly Invitae), Labcorp
Classification: Uncertain significance. Last evaluated: 2022-06-20. Review status: criteria provided, single submitter. Criteria: Invitae Variant Classification Sherloc (09022015). Collection method: clinical testing. Allele origin: germline.
Comment: This sequence change replaces arginine, which is basic and polar, with glutamine, which is neutral and polar, at codon 257 of the PALM protein (p.Arg257Gln). This variant is present in population databases (rs550258310, gnomAD 0.09%), and has an allele count higher than expected for a pathogenic variant. This variant has not been reported in the literature in individuals affected with PALM-related conditions. Algorithms developed to predict the effect of missense changes on protein structure and function output the following: SIFT: "Tolerated"; PolyPhen-2: "Benign"; Align-GVGD: "Class C0". The glutamine amino acid residue is found in multiple mammalian species, which suggests that this missense change does not adversely affect protein function. In summary, the available evidence is currently insufficient to determine the role of this variant in disease. Therefore, it has been classified as a Variant of Uncertain Significance.